The following is an entry in ClinVar:

ClinVar aggregate classification (germline): Benign/Likely benign. Review status: criteria provided, multiple submitters, no conflicts (2 of 4 stars). 4 submissions from 4 submitters: Benign (1); Likely benign (3). Last evaluated 2025-07-07.

Conditions:
Lynch syndrome 5 (LYNCH5). Also called: Hereditary non-polyposis colorectal cancer, type 5; Colorectal cancer, hereditary nonpolyposis, type 5. Identifiers: Orphanet 144, MedGen C1833477, MONDO:0013710, OMIM 614350. Disease mechanism: loss of function.
Hereditary cancer-predisposing syndrome. Also called: Hereditary Cancer Syndrome; Hereditary neoplastic syndrome; Neoplastic Syndromes, Hereditary; Tumor predisposition. Identifiers: Orphanet 140162, MedGen C0027672, MeSH D009386, MONDO:0015356.
Hereditary nonpolyposis colorectal neoplasms. Identifiers: MedGen C0009405, MeSH D003123.

gnomAD v4.1: 1 of 1,614,206 alleles (0.000062%); highest among the groups gnomAD compares: South Asian, 0.0011%; no homozygotes.

Submissions (4):

Color Diagnostics, LLC DBA Color Health
Classification: Likely benign for Hereditary cancer-predisposing syndrome. Last evaluated: 2025-07-07. Review status: criteria provided, single submitter. Criteria: ACMG Guidelines, 2015. Collection method: clinical testing. Allele origin: germline.

Myriad Genetics, Inc.
Classification: Benign for Lynch syndrome 5. Last evaluated: 2024-12-27. Review status: criteria provided, single submitter. Criteria: Myriad Autosomal Dominant, Autosomal Recessive and X-Linked Classification Criteria (2023). Collection method: clinical testing. Allele origin: unknown.
Comment: This variant is considered benign. This variant is a silent/synonymous amino acid change and it is not expected to impact splicing.

Labcorp Genetics (formerly Invitae), Labcorp
Classification: Likely benign for Hereditary nonpolyposis colorectal neoplasms. Last evaluated: 2019-08-13. Review status: criteria provided, single submitter. Criteria: Invitae Variant Classification Sherloc (09022015). Collection method: clinical testing. Allele origin: germline.

GeneDx
Classification: Likely benign. Last evaluated: 2016-05-12. Review status: criteria provided, single submitter. Criteria: GeneDx Variant Classification (06012015). Collection method: clinical testing. Allele origin: germline. Affected: yes.
Comment: This variant is considered likely benign or benign based on one or more of the following criteria: it is a conservative change, it occurs at a poorly conserved position in the protein, it is predicted to be benign by multiple in silico algorithms, and/or has population frequency not consistent with disease.

NM_000179.3(MSH6):c.1836A>C (p.Ser612=)

Gene: MSH6 (mutS homolog 6; plus strand). Cytogenetic location: 2p16.3.
Variant type: single nucleotide variant.
Coding change: c.1836A>C on transcript NM_000179.3 (MANE Select); coding-DNA position 1836, A replaced by C.
Protein change: p.Ser612=; no amino-acid change (serine 612 retained).
Molecular consequence: synonymous variant.
Genome position (GRCh38, 1-based): chr2:47,799,819, A>C. VCF-style: chr2-47799819-A-C. GRCh37 (hg19) VCF-style: chr2-48026958-A-C.
Other names: c.1446A>C, p.Ser482= (NM_001281492.2); c.930A>C, p.Ser310= (NM_001281493.2, NM_001281494.2).
Identifiers: ClinVar variation 385887 (VCV000385887.11), dbSNP rs779035516, ClinGen allele CA16604183.